The following is an entry in ClinVar:

NM_005334.3(HCFC1):c.3604G>A (p.Gly1202Arg)

Gene: HCFC1 (host cell factor C1; minus strand). Cytogenetic location: Xq28.
Variant type: single nucleotide variant.
Coding change: c.3604G>A on transcript NM_005334.3 (MANE Select); coding-DNA position 3604, G replaced by A.
Protein change: p.Gly1202Arg; replaces glycine 1202 with arginine.
Molecular consequence: missense variant.
Genome position (GRCh38, 1-based): chrX:153,954,795, C>T on the plus strand (G>A on the coding strand, the complement: HCFC1 is on the minus strand). VCF-style: chrX-153954795-C-T. GRCh37 (hg19) VCF-style: chrX-153220246-C-T.
Other names: c.3604G>A (NM_005334.2); short protein forms G1202R.
Identifiers: ClinVar variation 1448986 (VCV001448986.28), dbSNP rs1439756712, ClinGen allele CA415122743.

ClinVar aggregate classification (germline): Conflicting classifications of pathogenicity. Review status: criteria provided, conflicting classifications (1 of 4 stars). 3 submissions from 3 submitters: Uncertain significance (2); Likely benign (1). Last evaluated 2026-03-01.

Conditions:
Inborn genetic diseases. Identifiers: MedGen C0950123, MeSH D030342.
Methylmalonic acidemia with homocystinuria, type cblX (MAHCX). Also called: INTELLECTUAL DEVELOPMENTAL DISORDER, X-LINKED 3. Identifiers: Orphanet 369962, MedGen C0796208, MONDO:0010657, OMIM 309541.

Allele frequency attached by ClinVar (database versions not stated): gnomAD exomes 0.00001 and 0.00004; gnomAD 0.00003; TOPMed 0.00005.
gnomAD v4.1: 42 of 1,163,195 alleles (0.0036%); highest among the groups gnomAD compares: Non-Finnish European, 0.0042%; no homozygotes.

Submissions (3):

CeGaT Center for Human Genetics Tuebingen
Classification: Likely benign. Last evaluated: 2026-03-01. Review status: criteria provided, single submitter. Criteria: CeGaT Center For Human Genetics Tuebingen Variant Classification Criteria Version 2. Collection method: clinical testing. Allele origin: germline. Affected: yes. Observed: 5 variant alleles.
Comment: HCFC1: BS2

Ambry Genetics
Classification: Uncertain significance for Inborn genetic diseases. Last evaluated: 2023-02-15. Review status: criteria provided, single submitter. Criteria: Ambry Variant Classification Scheme 2023. Collection method: clinical testing. Allele origin: germline.

Labcorp Genetics (formerly Invitae), Labcorp
Classification: Uncertain significance for Methylmalonic acidemia with homocystinuria, type cblX. Last evaluated: 2021-09-30. Review status: criteria provided, single submitter. Criteria: Invitae Variant Classification Sherloc (09022015). Collection method: clinical testing. Allele origin: germline.
Comment: This sequence change replaces glycine with arginine at codon 1202 of the HCFC1 protein (p.Gly1202Arg). The glycine residue is moderately conserved and there is a moderate physicochemical difference between glycine and arginine. The frequency data for this variant in the population databases is considered unreliable, as metrics indicate insufficient coverage at this position in the ExAC database. This variant has not been reported in the literature in individuals affected with HCFC1-related conditions. Algorithms developed to predict the effect of missense changes on protein structure and function are either unavailable or do not agree on the potential impact of this missense change (SIFT: "Deleterious"; PolyPhen-2: "Possibly Damaging"; Align-GVGD: "Class C0"). In summary, the available evidence is currently insufficient to determine the role of this variant in disease. Therefore, it has been classified as a Variant of Uncertain Significance.